The following is an entry in ClinVar:

NM_201384.3(PLEC):c.2082+6G>T

Gene: PLEC (plectin; minus strand). Cytogenetic location: 8q24.3.
Variant type: single nucleotide variant.
Coding change: c.2082+6G>T on transcript NM_201384.3 (MANE Select); 6 bases into the intron after coding-DNA position 2082, G replaced by T.
Molecular consequence: intron variant.
Genome position (GRCh38, 1-based): chr8:143,932,124, C>A on the plus strand (G>T on the coding strand, the complement: PLEC is on the minus strand). VCF-style: chr8-143932124-C-A. GRCh37 (hg19) VCF-style: chr8-145006292-C-A.
Other names: c.2163+6G>T (NM_000445.5); c.2040+6G>T (NM_201378.4); c.2016+6G>T (NM_201379.3); c.2493+6G>T (NM_201380.4); c.1986+6G>T (NM_201381.3); c.2082+6G>T (NM_201382.4); c.2094+6G>T (NM_201383.3).
Identifiers: ClinVar variation 538976 (VCV000538976.9), dbSNP rs782596727, ClinGen allele CA4927706.

ClinVar aggregate classification (germline): Uncertain significance. Review status: criteria provided, multiple submitters, no conflicts (2 of 4 stars). 2 submissions from 2 submitters: Uncertain significance (2). Last evaluated 2025-10-29.

Conditions:
Epidermolysis bullosa simplex with nail dystrophy (EBS5D). Identifiers: MedGen C4225309, MONDO:0014661, OMIM 616487.
Epidermolysis bullosa simplex 5B, with muscular dystrophy (EBS5B). Also called: EPIDERMOLYSIS BULLOSA SIMPLEX AND LIMB-GIRDLE MUSCULAR DYSTROPHY; Epidermolysis bullosa simplex with muscular dystrophy. Identifiers: Orphanet 257, MedGen C2931072, MONDO:0009181, OMIM 226670.
Epidermolysis bullosa simplex, Ogna type (EBS5A). Also called: Pidermolysis bullosa simplex 5A, Ogna type; EPIDERMOLYSIS BULLOSA SIMPLEX 5A, OGNA TYPE. Identifiers: Orphanet 79401, MedGen C0432317, MONDO:0007555, OMIM 131950.
Autosomal recessive limb-girdle muscular dystrophy type 2Q (LGMDR17). Also called: MUSCULAR DYSTROPHY, LIMB-GIRDLE, AUTOSOMAL RECESSIVE 17. Identifiers: Orphanet 254361, MedGen C3150989, MONDO:0013390, OMIM 613723.
Epidermolysis bullosa simplex 5C, with pyloric atresia (EBS5C). Also called: PLEC-Related Epidermolysis Bullosa with Pyloric Atresia; Epidermolysis bullosa simplex with pyloric atresia; PLEC1-Related Epidermolysis Bullosa with Pyloric Atresia. Identifiers: Orphanet 158684, MedGen C2677349, MONDO:0012807, OMIM 612138.

Allele frequency attached by ClinVar (database versions not stated): TOPMed 0.00002.
gnomAD v4.1: 5 of 1,608,920 alleles (0.00031%); highest among the groups gnomAD compares: African/African-American, 0.004%; no homozygotes.

Submissions (2):

Labcorp Genetics (formerly Invitae), Labcorp
Classification: Uncertain significance for Autosomal recessive limb-girdle muscular dystrophy type 2Q; Epidermolysis bullosa simplex, Ogna type; Epidermolysis bullosa simplex with nail dystrophy; Epidermolysis bullosa simplex 5C, with pyloric atresia; Epidermolysis bullosa simplex 5B, with muscular dystrophy. Last evaluated: 2025-10-29. Review status: criteria provided, single submitter. Criteria: Invitae Variant Classification Sherloc (09022015). Collection method: clinical testing. Allele origin: germline.
Comment: This sequence change falls in intron 18 of the PLEC gene. It does not directly change the encoded amino acid sequence of the PLEC protein. It affects a nucleotide within the consensus splice site. This variant is present in population databases (rs782596727, gnomAD 0.02%). This variant has not been reported in the literature in individuals affected with PLEC-related conditions. ClinVar contains an entry for this variant (Variation ID: 538976). Variants that disrupt the consensus splice site are a relatively common cause of aberrant splicing (PMID: 17576681, 9536098). Algorithms developed to predict the effect of sequence changes on RNA splicing suggest that this variant is not likely to affect RNA splicing. In summary, the available evidence is currently insufficient to determine the role of this variant in disease. Therefore, it has been classified as a Variant of Uncertain Significance.

Eurofins Ntd Llc (ga)
Classification: Uncertain significance. Last evaluated: 2017-10-25. Review status: criteria provided, single submitter. Criteria: EGL Classification Definitions 2015. Collection method: clinical testing. Allele origin: germline. Observed: 1 variant allele, 1 heterozygote.

Literature cited by the submitters: PubMed 17576681 (cited by Labcorp Genetics (formerly Invitae), Labcorp); PubMed 9536098 (cited by Labcorp Genetics (formerly Invitae), Labcorp).